The following is an entry in ClinVar:

ClinVar aggregate classification (germline): Uncertain significance. Review status: criteria provided, multiple submitters, no conflicts (2 of 4 stars). 4 submissions from 4 submitters: Uncertain significance (4). Last evaluated 2025-08-20.

Conditions:
TTC21B-related disorder. Also called: TTC21B-related condition; TTC21B-related disorders.
Jeune thoracic dystrophy. Also called: Jeune syndrome; Infantile thoracic dystrophy; Thoracic pelvic phalangeal dystrophy; Jeune's syndrome; Chondroectodermal dysplasia-like syndrome; Short-rib thoracic dysplasia. Identifiers: Orphanet 474, MedGen C0265275, MONDO:0018770.
Nephronophthisis. Also called: Juvenile Nephronophthisis. Identifiers: Orphanet 655, MedGen C0687120, MONDO:0019005, HP:0000090.
Nephronophthisis 12 (NPHP12). Identifiers: Orphanet 655, MedGen C3151186, MONDO:0013442, OMIM 613820.
Asphyxiating thoracic dystrophy 4 (SRTD4). Also called: SHORT-RIB THORACIC DYSPLASIA 4 WITH OR WITHOUT POLYDACTYLY; SHORT-RIB THORACIC DYSPLASIA 4. Identifiers: Orphanet 474, MedGen C3151185, MONDO:0013441, OMIM 613819.

Allele frequency attached by ClinVar (database versions not stated): TOPMed 0.00001; ExAC 0.00002.
gnomAD v4.1: 6 of 1,613,678 alleles (0.00037%); highest among the groups gnomAD compares: Admixed American, 0.01%; no homozygotes.

Submissions (4):

PreventionGenetics, part of Exact Sciences
Classification: Uncertain significance for TTC21B-related condition. Last evaluated: 2025-08-20. Review status: criteria provided, single submitter. Criteria: ACMG Guidelines, 2015. Collection method: clinical testing. Allele origin: germline.
Comment: The TTC21B c.3167G>A variant is predicted to result in the amino acid substitution p.Gly1056Asp. To our knowledge, this variant has not been reported in the literature. This variant is reported in 0.017% of alleles in individuals of Latino descent in gnomAD. At this time, the clinical significance of this variant is uncertain due to the absence of conclusive functional and genetic evidence.

Fulgent Genetics
Classification: Uncertain significance for Asphyxiating thoracic dystrophy 4; Nephronophthisis 12. Last evaluated: 2024-05-01. Review status: criteria provided, single submitter. Criteria: ACMG Guidelines, 2015. Collection method: clinical testing. Allele origin: germline.

Mayo Clinic Laboratories, Mayo Clinic
Classification: Uncertain significance. Last evaluated: 2022-12-29. Review status: criteria provided, single submitter. Criteria: ACMG Guidelines, 2015. Collection method: clinical testing. Allele origin: germline. Observed: 1 variant allele.

Labcorp Genetics (formerly Invitae), Labcorp
Classification: Uncertain significance for Jeune thoracic dystrophy; Nephronophthisis. Last evaluated: 2022-02-12. Review status: criteria provided, single submitter. Criteria: Invitae Variant Classification Sherloc (09022015). Collection method: clinical testing. Allele origin: germline.
Comment: This sequence change replaces glycine, which is neutral and non-polar, with aspartic acid, which is acidic and polar, at codon 1056 of the TTC21B protein (p.Gly1056Asp). This variant is present in population databases (rs746423189, gnomAD 0.02%). This variant has not been reported in the literature in individuals affected with TTC21B-related conditions. Algorithms developed to predict the effect of missense changes on protein structure and function are either unavailable or do not agree on the potential impact of this missense change (SIFT: "Tolerated"; PolyPhen-2: "Probably Damaging"; Align-GVGD: "Class C0"). In summary, the available evidence is currently insufficient to determine the role of this variant in disease. Therefore, it has been classified as a Variant of Uncertain Significance.

NM_024753.5(TTC21B):c.3167G>A (p.Gly1056Asp)

Gene: TTC21B (tetratricopeptide repeat domain 21B; minus strand). Cytogenetic location: 2q24.3.
Variant type: single nucleotide variant.
Coding change: c.3167G>A on transcript NM_024753.5 (MANE Select); coding-DNA position 3167, G replaced by A.
Protein change: p.Gly1056Asp; replaces glycine 1056 with aspartic acid.
Molecular consequence: missense variant.
Genome position (GRCh38, 1-based): chr2:165,890,575, C>T on the plus strand (G>A on the coding strand, the complement: TTC21B is on the minus strand). VCF-style: chr2-165890575-C-T. GRCh37 (hg19) VCF-style: chr2-166747085-C-T.
Other names: p.Gly1056Asp; c.3167G>A (NM_024753.4); short protein forms G1056D.
Identifiers: ClinVar variation 1968137 (VCV001968137.5), dbSNP rs746423189, ClinGen allele CA1941565.